The following is an entry in ClinVar:

ClinVar aggregate classification (germline): Uncertain significance (1 of 4 stars; one submission).

Allele frequency attached by ClinVar (database versions not stated): gnomAD exomes below 0.00001; TOPMed below 0.00001.
gnomAD v4.1: 1 of 1,613,394 alleles (0.000062%); highest among the groups gnomAD compares: Non-Finnish European, 0.000085%; no homozygotes.

Submission:

Labcorp Genetics (formerly Invitae), Labcorp
Classification: Uncertain significance. Last evaluated: 2025-06-23. Review status: criteria provided, single submitter. Criteria: Invitae Variant Classification Sherloc (09022015). Collection method: clinical testing. Allele origin: germline.
Comment: This sequence change replaces alanine, which is neutral and non-polar, with valine, which is neutral and non-polar, at codon 181 of the PCDH12 protein (p.Ala181Val). This variant is not present in population databases (gnomAD no frequency). This variant has not been reported in the literature in individuals affected with PCDH12-related conditions. ClinVar contains an entry for this variant (Variation ID: 2019762). Invitae Evidence Modeling of protein sequence and biophysical properties (such as structural, functional, and spatial information, amino acid conservation, physicochemical variation, residue mobility, and thermodynamic stability) indicates that this missense variant is not expected to disrupt PCDH12 protein function with a negative predictive value of 95%. In summary, the available evidence is currently insufficient to determine the role of this variant in disease. Therefore, it has been classified as a Variant of Uncertain Significance.

NM_016580.4(PCDH12):c.542C>T (p.Ala181Val)

Genes: PCDH12 (protocadherin 12; minus strand), RNF14 (ring finger protein 14; plus strand). Cytogenetic location: 5q31.3.
Variant type: single nucleotide variant.
Coding change: c.542C>T on transcript NM_016580.4 (MANE Select); coding-DNA position 542, C replaced by T.
Protein change: p.Ala181Val; replaces alanine 181 with valine.
Molecular consequence: missense variant.
Genome position (GRCh38, 1-based): chr5:141,957,310, G>A on the plus strand (C>T on the coding strand, the complement: PCDH12 is on the minus strand). VCF-style: chr5-141957310-G-A. GRCh37 (hg19) VCF-style: chr5-141336875-G-A.
Other names: short protein forms A181V.
Identifiers: ClinVar variation 2019762 (VCV002019762.4), dbSNP rs966290361, ClinGen allele CA128481155.